The following is an entry in ClinVar:

ClinVar aggregate classification (germline): Uncertain significance (1 of 4 stars; one submission).

Submission:

GeneDx
Classification: Uncertain significance. Last evaluated: 2026-01-23. Review status: criteria provided, single submitter. Criteria: GeneDx Variant Classification Process June 2021. Collection method: clinical testing. Allele origin: germline.
Comment: Not observed at significant frequency in large population cohorts (gnomAD); In silico analysis suggests that this missense variant does not alter protein structure/function; Has not been previously published as pathogenic or benign to our knowledge

NM_015001.3(SPEN):c.10786A>C (p.Lys3596Gln)

Gene: SPEN (spen family transcriptional repressor; plus strand). Cytogenetic location: 1p36.13.
Variant type: single nucleotide variant.
Coding change: c.10786A>C on transcript NM_015001.3 (MANE Select); coding-DNA position 10786, A replaced by C.
Protein change: p.Lys3596Gln; replaces lysine 3596 with glutamine.
Molecular consequence: missense variant.
Genome position (GRCh38, 1-based): chr1:15,938,799, A>C. VCF-style: chr1-15938799-A-C. GRCh37 (hg19) VCF-style: chr1-16265294-A-C.
Other names: short protein forms K3596Q.
Identifiers: ClinVar variation 4975600 (VCV004975600.1).